The following is an entry in ClinVar:

ClinVar aggregate classification (germline): Likely benign (1 of 4 stars; one submission).

Allele frequency attached by ClinVar (database versions not stated): gnomAD 0.00001; gnomAD exomes 0.00001; ExAC 0.00003; TOPMed 0.00003.
gnomAD v4.1: 24 of 1,611,822 alleles (0.0015%); highest among the groups gnomAD compares: Middle Eastern, 0.016%; no homozygotes.

Submission:

CeGaT Center for Human Genetics Tuebingen
Classification: Likely benign. Last evaluated: 2022-07-01. Review status: criteria provided, single submitter. Criteria: CeGaT Center For Human Genetics Tuebingen Variant Classification Criteria Version 2. Collection method: clinical testing. Allele origin: germline. Affected: yes. Observed: 1 variant allele.
Comment: DET1: BP4, BP7; ENSG00000173867: BP4, BP7

NM_001144074.3(DET1):c.1116G>A (p.Thr372=)

Gene: DET1 (DET1 partner of COP1 E3 ubiquitin ligase; minus strand). Cytogenetic location: 15q26.1.
Variant type: single nucleotide variant.
Coding change: c.1116G>A on transcript NM_001144074.3 (MANE Select); coding-DNA position 1116, G replaced by A.
Protein change: p.Thr372=; no amino-acid change (threonine 372 retained).
Molecular consequence: synonymous variant. On other transcripts: non-coding transcript variant (6).
Genome position (GRCh38, 1-based): chr15:88,527,754, C>T on the plus strand (G>A on the coding strand, the complement: DET1 is on the minus strand). VCF-style: chr15-88527754-C-T. GRCh37 (hg19) VCF-style: chr15-89070985-C-T.
Other names: c.1014G>A, p.Thr338= (NM_001321594.2); c.1116G>A, p.Thr372= (NM_001321596.1); c.1149G>A, p.Thr383= (NM_017996.5).
Identifiers: ClinVar variation 2645668 (VCV002645668.23), dbSNP rs778315040, ClinGen allele CA7718114.